The following is an entry in ClinVar:

NM_001290060.2(SEMA3B):c.2209C>T (p.Pro737Ser)

Gene: SEMA3B (semaphorin 3B; plus strand). Cytogenetic location: 3p21.31.
Variant type: single nucleotide variant.
Coding change: c.2209C>T on transcript NM_001290060.2 (MANE Select); coding-DNA position 2209, C replaced by T.
Protein change: p.Pro737Ser; replaces proline 737 with serine.
Molecular consequence: missense variant. On other transcripts: non-coding transcript variant (1).
Genome position (GRCh38, 1-based): chr3:50,276,665, C>T. VCF-style: chr3-50276665-C-T. GRCh37 (hg19) VCF-style: chr3-50314096-C-T.
Other names: c.2206C>T, p.Pro736Ser (NM_001005914.3, NM_001435957.1, NM_001435958.1); c.2224C>T, p.Pro742Ser (NM_001290061.1); c.1180C>T, p.Pro394Ser (NM_001290062.2, NM_001290063.2); c.2209C>T, p.Pro737Ser (NM_001435956.1, NM_004636.4); short protein forms P742S, P394S, P737S, P736S.
Identifiers: ClinVar variation 4987275 (VCV004987275.1).

ClinVar aggregate classification (germline): Uncertain significance (1 of 4 stars; one submission).

Conditions:
SEMA3B-related disorder. Also called: SEMA3B-related condition.

gnomAD v4.1: 10 of 1,575,690 alleles (0.00063%); highest among the groups gnomAD compares: African/African-American, 0.014%; no homozygotes.

Submission:

PreventionGenetics, part of Exact Sciences
Classification: Uncertain significance for SEMA3B-related condition. Last evaluated: 2025-05-16. Review status: criteria provided, single submitter. Criteria: ACMG Guidelines, 2015. Collection method: clinical testing. Allele origin: germline.
Comment: The SEMA3B c.2224C>T is a noncoding alteration. To our knowledge, this variant has not been reported in the literature. This variant is reported in 0.036% of alleles in individuals of African descent in gnomAD. At this time, the clinical significance of this variant is uncertain due to the absence of conclusive functional and genetic evidence.